The following is an entry in ClinVar:

ClinVar aggregate classification (germline): Likely benign. Review status: criteria provided, multiple submitters, no conflicts (2 of 4 stars). 3 submissions from 3 submitters: Likely benign (3). Last evaluated 2025-08-18.

Conditions:
Cardiovascular phenotype. Identifiers: MedGen CN230736.
JAG1-related disorder. Also called: JAG1-related condition; JAG1-related disorders.

Allele frequency attached by ClinVar (database versions not stated): gnomAD exomes below 0.00001; TOPMed 0.00001.
gnomAD v4.1: 3 of 1,293,942 alleles (0.00023%); highest among the groups gnomAD compares: Non-Finnish European, 0.0003%; no homozygotes.

Submissions (3):

PreventionGenetics, part of Exact Sciences
Classification: Likely benign for JAG1-related condition. Last evaluated: 2025-08-18. Review status: criteria provided, single submitter. Criteria: ACMG Guidelines, 2015. Collection method: clinical testing. Allele origin: germline.
Comment: This variant is classified as likely benign based on ACMG/AMP sequence variant interpretation guidelines (Richards et al. 2015 PMID: 25741868, with internal and published modifications).

Ambry Genetics
Classification: Likely benign for Cardiovascular phenotype. Last evaluated: 2022-12-01. Review status: criteria provided, single submitter. Criteria: Ambry Variant Classification Scheme 2023. Collection method: clinical testing. Allele origin: germline.

Blueprint Genetics
Classification: Likely benign. Last evaluated: 2022-09-08. Review status: criteria provided, single submitter. Criteria: ACMG Guidelines, 2015. Collection method: clinical testing. Allele origin: germline.

NM_000214.3(JAG1):c.40C>T (p.Leu14=)

Gene: JAG1 (jagged canonical Notch ligand 1; minus strand). Cytogenetic location: 20p12.2.
Variant type: single nucleotide variant.
Coding change: c.40C>T on transcript NM_000214.3 (MANE Select); coding-DNA position 40, C replaced by T.
Protein change: p.Leu14=; no amino-acid change (leucine 14 retained).
Molecular consequence: synonymous variant.
Genome position (GRCh38, 1-based): chr20:10,673,491, G>A on the plus strand (C>T on the coding strand, the complement: JAG1 is on the minus strand). VCF-style: chr20-10673491-G-A. GRCh37 (hg19) VCF-style: chr20-10654139-G-A.
Identifiers: ClinVar variation 2452643 (VCV002452643.4), dbSNP rs1467074978, ClinGen allele CA509663348.